The following is an entry in ClinVar:

ClinVar aggregate classification (germline): Uncertain significance (1 of 4 stars; one submission).

Submission:

GeneDx
Classification: Uncertain significance. Last evaluated: 2023-05-10. Review status: criteria provided, single submitter. Criteria: GeneDx Variant Classification Process June 2021. Collection method: clinical testing. Allele origin: germline. Affected: yes.
Comment: Not observed at significant frequency in large population cohorts (gnomAD); In silico analysis supports that this missense variant does not alter protein structure/function; Has not been previously published as pathogenic or benign to our knowledge

NM_020791.4(TAOK1):c.2397G>C (p.Gln799His)

Gene: TAOK1 (TAO kinase 1; plus strand). Cytogenetic location: 17q11.2.
Variant type: single nucleotide variant.
Coding change: c.2397G>C on transcript NM_020791.4 (MANE Select); coding-DNA position 2397, G replaced by C.
Protein change: p.Gln799His; replaces glutamine 799 with histidine.
Molecular consequence: missense variant.
Genome position (GRCh38, 1-based): chr17:29,534,153, G>C. VCF-style: chr17-29534153-G-C. GRCh37 (hg19) VCF-style: chr17-27861171-G-C.
Other names: c.1953G>C, p.Gln651His (NM_025142.1); short protein forms Q651H, Q799H.
Identifiers: ClinVar variation 2663224 (VCV002663224.1), dbSNP rs2508337224, ClinGen allele CA398917053.